The following is an entry in ClinVar:

ClinVar aggregate classification (germline): Benign/Likely benign. Review status: criteria provided, multiple submitters, no conflicts (2 of 4 stars). 11 submissions from 11 submitters: Benign (4); Likely benign (6). 1 of the submissions does not count toward it. Last evaluated 2026-01-25.

Conditions:
Prostate cancer, hereditary, 9 (HPC9). Identifiers: Orphanet 1331, MedGen C1970250, MONDO:0012597, OMIM 610997.
HOXB13-related disorder. Also called: HOXB13-related disorders; HOXB13-related condition.
Hereditary cancer-predisposing syndrome. Also called: Tumor predisposition; Hereditary Cancer Syndrome; Neoplastic Syndromes, Hereditary; Hereditary neoplastic syndrome. Identifiers: Orphanet 140162, MedGen C0027672, MeSH D009386, MONDO:0015356.

Allele frequency attached by ClinVar (database versions not stated): gnomAD exomes 0.00013; ExAC 0.00021; 1000 Genomes Project 0.00040; 1000 Genomes Project 30x 0.00047; TOPMed 0.00062; ESP Exome Variant Server 0.00085.
gnomAD v4.1: 133 of 1,614,226 alleles (0.0082%); highest among the groups gnomAD compares: African/African-American, 0.16%; 1 homozygote.

Submissions (11):

Labcorp Genetics (formerly Invitae), Labcorp
Classification: Benign. Last evaluated: 2026-01-25. Review status: criteria provided, single submitter. Criteria: Invitae Variant Classification Sherloc (09022015). Collection method: clinical testing. Allele origin: germline.

Myriad Genetics, Inc.
Classification: Benign for Prostate cancer, hereditary, 9. Last evaluated: 2024-10-30. Review status: criteria provided, single submitter. Criteria: Myriad Autosomal Dominant, Autosomal Recessive and X-Linked Classification Criteria (2023). Collection method: clinical testing. Allele origin: unknown.
Comment: This variant is considered benign. This variant is a silent/synonymous amino acid change and it is not expected to impact splicing.

Blueprint Genetics
Classification: Likely benign. Last evaluated: 2024-05-29. Review status: criteria provided, single submitter. Criteria: ACMG Guidelines, 2015. Collection method: clinical testing. Allele origin: germline.

Women's Health and Genetics/Laboratory Corporation of America, LabCorp
Classification: Benign. Last evaluated: 2023-08-17. Review status: criteria provided, single submitter. Criteria: LabCorp Variant Classification Summary - May 2015. Collection method: clinical testing. Allele origin: germline.

Quest Diagnostics Nichols Institute San Juan Capistrano
Classification: Benign. Last evaluated: 2022-12-03. Review status: criteria provided, single submitter. Criteria: Quest Diagnostics criteria. Collection method: clinical testing. Allele origin: unknown.

Department of Pathology and Laboratory Medicine, Sinai Health System
Classification: Likely benign for Prostate cancer, hereditary, 9. Last evaluated: 2022-07-26. Review status: criteria provided, single submitter. Criteria: ACMG Guidelines, 2015. Collection method: clinical testing. Allele origin: germline. Affected: yes.

Genetic Services Laboratory, University of Chicago
Classification: Likely benign. Last evaluated: 2021-11-24. Review status: criteria provided, single submitter. Criteria: ACMG Guidelines, 2015. Collection method: clinical testing. Allele origin: germline. Affected: no.

Sema4
Classification: Likely benign for Hereditary cancer-predisposing syndrome. Last evaluated: 2021-06-30. Review status: criteria provided, single submitter. Criteria: Sema4 Curation Guidelines. Collection method: curation. Allele origin: germline.

GeneDx
Classification: Likely benign. Last evaluated: 2018-03-29. Review status: criteria provided, single submitter. Criteria: GeneDx Variant Classification (06012015). Collection method: clinical testing. Allele origin: germline. Affected: yes.
Comment: This variant is considered likely benign or benign based on one or more of the following criteria: it is a conservative change, it occurs at a poorly conserved position in the protein, it is predicted to be benign by multiple in silico algorithms, and/or has population frequency not consistent with disease.

Ambry Genetics
Classification: Likely benign for Hereditary cancer-predisposing syndrome. Last evaluated: 2017-04-10. Review status: criteria provided, single submitter. Criteria: Ambry Variant Classification Scheme 2023. Collection method: clinical testing. Allele origin: germline.

PreventionGenetics, part of Exact Sciences
Classification: Likely benign for HOXB13-related condition. Last evaluated: 2019-04-09. Review status: no assertion criteria provided. Collection method: clinical testing. Allele origin: germline. Not counted in ClinVar's aggregate classification.
Comment: This variant is classified as likely benign based on ACMG/AMP sequence variant interpretation guidelines (Richards et al. 2015 PMID: 25741868, with internal and published modifications).

NM_006361.6(HOXB13):c.474G>A (p.Pro158=)

Gene: HOXB13 (homeobox B13; minus strand). Cytogenetic location: 17q21.32.
Variant type: single nucleotide variant.
Coding change: c.474G>A on transcript NM_006361.6 (MANE Select); coding-DNA position 474, G replaced by A.
Protein change: p.Pro158=; no amino-acid change (proline 158 retained).
Molecular consequence: synonymous variant.
Genome position (GRCh38, 1-based): chr17:48,728,120, C>T on the plus strand (G>A on the coding strand, the complement: HOXB13 is on the minus strand). VCF-style: chr17-48728120-C-T. GRCh37 (hg19) VCF-style: chr17-46805482-C-T.
Identifiers: ClinVar variation 483479 (VCV000483479.25), dbSNP rs35033273, ClinGen allele CA8633983.